The following is an entry in ClinVar:

ClinVar aggregate classification (germline): Uncertain significance (1 of 4 stars; one submission).

Allele frequency attached by ClinVar (database versions not stated): gnomAD exomes below 0.00001 and 0.00001; ExAC 0.00001; TOPMed 0.00001.
gnomAD v4.1: 6 of 1,614,130 alleles (0.00037%); highest among the groups gnomAD compares: Admixed American, 0.0033%; no homozygotes.

Submission:

GeneDx
Classification: Uncertain significance. Last evaluated: 2022-04-20. Review status: criteria provided, single submitter. Criteria: GeneDx Variant Classification Process June 2021. Collection method: clinical testing. Allele origin: germline. Affected: yes.
Comment: Not observed at significant frequency in large population cohorts (gnomAD); In silico analysis supports that this missense variant has a deleterious effect on protein structure/function; Has not been previously published as pathogenic or benign to our knowledge

NM_001374353.1(GLI2):c.1406C>T (p.Ala469Val)

Gene: GLI2 (GLI family zinc finger 2; plus strand). Cytogenetic location: 2q14.2.
Variant type: single nucleotide variant.
Coding change: c.1406C>T on transcript NM_001374353.1 (MANE Select); coding-DNA position 1406, C replaced by T.
Protein change: p.Ala469Val; replaces alanine 469 with valine.
Molecular consequence: missense variant.
Genome position (GRCh38, 1-based): chr2:120,978,522, C>T. VCF-style: chr2-120978522-C-T. GRCh37 (hg19) VCF-style: chr2-121736098-C-T.
Other names: c.1457C>T, p.Ala486Val (NM_001371271.1, NM_005270.5); c.1031C>T, p.Ala344Val (NM_001374354.1); short protein forms A344V, A469V, A486V.
Identifiers: ClinVar variation 1678803 (VCV001678803.2), dbSNP rs767030770, ClinGen allele CA1851908.
Genomic context (GRCh38, chr2:120,978,522, plus strand): 5'-AGAAGAAGGAGTTTGTGTGCCGCTGGCAGGCCTGCACGCGGGAGCAGAAGCCCTTCAAGG[C>T]GCAGTACATGCTGGTGGTGCACATGCGGCGACACACGGGCGAGAAGCCCCACAAGTGCAC-3'
Protein context (NP_001361282.1, residues 459-479): ACTREQKPFK[Ala469Val]QYMLVVHMRR